The following is an entry in ClinVar:

NM_006231.4(POLE):c.1309G>T (p.Val437Leu)

Gene: POLE (DNA polymerase epsilon, catalytic subunit; minus strand). Cytogenetic location: 12q24.33.
Variant type: single nucleotide variant.
Coding change: c.1309G>T on transcript NM_006231.4 (MANE Select); coding-DNA position 1309, G replaced by T.
Protein change: p.Val437Leu; replaces valine 437 with leucine.
Molecular consequence: missense variant.
Genome position (GRCh38, 1-based): chr12:132,673,625, C>A on the plus strand (G>T on the coding strand, the complement: POLE is on the minus strand). VCF-style: chr12-132673625-C-A. GRCh37 (hg19) VCF-style: chr12-133250211-C-A.
Other names: short protein forms V437L.
Identifiers: ClinVar variation 643547 (VCV000643547.10), dbSNP rs115047349, ClinGen allele CA6894010.

ClinVar aggregate classification (germline): Uncertain significance. Review status: criteria provided, multiple submitters, no conflicts (2 of 4 stars). 2 submissions from 2 submitters: Uncertain significance (2). Last evaluated 2026-01-12.

Conditions:
Hereditary cancer-predisposing syndrome. Also called: Neoplastic Syndromes, Hereditary; Hereditary neoplastic syndrome; Tumor predisposition; Hereditary Cancer Syndrome. Identifiers: Orphanet 140162, MedGen C0027672, MeSH D009386, MONDO:0015356.

Allele frequency attached by ClinVar (database versions not stated): 1000 Genomes Project 30x 0.00016; 1000 Genomes Project 0.00020.
gnomAD v4.1: 2 of 1,613,872 alleles (0.00012%); highest among the groups gnomAD compares: Non-Finnish European, 0.00017%; no homozygotes.

Submissions (2):

Ambry Genetics
Classification: Uncertain significance for Hereditary cancer-predisposing syndrome. Last evaluated: 2026-01-12. Review status: criteria provided, single submitter. Criteria: Ambry Variant Classification Scheme 2023. Collection method: clinical testing. Allele origin: germline.
Comment: The p.V437L variant (also known as c.1309G>T), located in coding exon 13 of the POLE gene, results from a G to T substitution at nucleotide position 1309. The valine at codon 437 is replaced by leucine, an amino acid with highly similar properties. This amino acid position is highly conserved in available vertebrate species. In addition, the in silico prediction for this alteration is inconclusive. Based on the available evidence, the clinical significance of this variant remains unclear.

Labcorp Genetics (formerly Invitae), Labcorp
Classification: Uncertain significance. Last evaluated: 2021-11-17. Review status: criteria provided, single submitter. Criteria: Invitae Variant Classification Sherloc (09022015). Collection method: clinical testing. Allele origin: germline.
Comment: In summary, the available evidence is currently insufficient to determine the role of this variant in disease. Therefore, it has been classified as a Variant of Uncertain Significance. ClinVar contains an entry for this variant (Variation ID: 643547). Algorithms developed to predict the effect of missense changes on protein structure and function are either unavailable or do not agree on the potential impact of this missense change (SIFT: "Deleterious"; PolyPhen-2: "Possibly Damaging"; Align-GVGD: "Class C0"). This sequence change replaces valine, which is neutral and non-polar, with leucine, which is neutral and non-polar, at codon 437 of the POLE protein (p.Val437Leu). This variant is not present in population databases (gnomAD no frequency). This variant has not been reported in the literature in individuals affected with POLE-related conditions.